The following is an entry in ClinVar:

NM_004260.4(RECQL4):c.2013del (p.Thr672fs)

Gene: RECQL4 (RecQ like helicase 4; minus strand). Cytogenetic location: 8q24.3.
Variant type: Deletion.
Coding change: c.2013del on transcript NM_004260.4 (MANE Select); coding-DNA position 2013, one base deleted (C; older notation c.2013delC).
Protein change: p.Thr672fs; shifts the reading frame from threonine 672.
Molecular consequence: frameshift variant. On other transcripts: non-coding transcript variant (3).
Genome position (GRCh38, 1-based): chr8:144,513,973, G deleted on the plus strand (C on the coding strand, the reverse complement: RECQL4 is on the minus strand); the first of 3 consecutive G bases (chr8:144,513,973-144,513,975); deleting any one gives the same sequence. VCF-style (leftmost placement, unchanged base first): chr8-144513972-TG-T. GRCh37 (hg19) VCF-style: chr8-145739356-TG-T.
Other names: c.1917del, p.Thr640fs (NM_001413017.1, NM_001413020.1); c.2013del, p.Thr672fs (NM_001413018.1, NM_001413019.1, NM_001413036.1); c.942del, p.Thr315fs (NM_001413021.1, NM_001413022.1, NM_001413023.1 and 6 more transcripts); c.1884del, p.Thr629fs (NM_001413025.1); c.876del, p.Thr293fs (NM_001413027.1, NM_001413030.1, NM_001413032.1 and 1 more transcripts); c.1662del, p.Thr555fs (NM_001413029.1); c.744del, p.Thr249fs (NM_001413031.1); c.1881del, p.Thr628fs (NM_001413033.1); and 4 more; short protein forms T293fs, T315fs, T305fs, T555fs, T183fs, T249fs, T629fs, T640fs.
Identifiers: ClinVar variation 2857153 (VCV002857153.3), dbSNP rs2538031872, ClinGen allele CA645563362.

ClinVar aggregate classification (germline): Pathogenic (1 of 4 stars; one submission).

Conditions:
Baller-Gerold syndrome (BGS). Also called: CRANIOSYNOSTOSIS WITH RADIAL DEFECTS. Identifiers: Orphanet 1225, MedGen C0265308, MONDO:0009039, OMIM 218600.

Submission:

Labcorp Genetics (formerly Invitae), Labcorp
Classification: Pathogenic for Baller-Gerold syndrome. Last evaluated: 2023-04-17. Review status: criteria provided, single submitter. Criteria: Invitae Variant Classification Sherloc (09022015). Collection method: clinical testing. Allele origin: germline.
Comment: For these reasons, this variant has been classified as Pathogenic. This variant has not been reported in the literature in individuals affected with RECQL4-related conditions. This variant is not present in population databases (gnomAD no frequency). This sequence change creates a premature translational stop signal (p.Thr672Profs*18) in the RECQL4 gene. It is expected to result in an absent or disrupted protein product. Loss-of-function variants in RECQL4 are known to be pathogenic (PMID: 12734318, 12952869).

Literature cited by the submitters: PubMed 12734318; PubMed 12952869.